The following is an entry in ClinVar:

ClinVar aggregate classification (germline): Uncertain significance (1 of 4 stars; one submission).

gnomAD v4.1: 1 of 1,613,692 alleles (0.000062%); highest among the groups gnomAD compares: Admixed American, 0.0017%; no homozygotes.

Submission:

Ambry Genetics
Classification: Uncertain significance. Last evaluated: 2022-09-04. Review status: criteria provided, single submitter. Criteria: Ambry Variant Classification Scheme 2023. Collection method: clinical testing. Allele origin: germline.
Comment: The p.R520S variant (also known as c.1558C>A), located in coding exon 16 of the KIF1B gene, results from a C to A substitution at nucleotide position 1558. The arginine at codon 520 is replaced by serine, an amino acid with dissimilar properties. This amino acid position is conserved. In addition, this alteration is predicted to be deleterious by in silico analysis. Since supporting evidence is limited at this time, the clinical significance of this alteration remains unclear.

NM_001365951.3(KIF1B):c.1696C>A (p.Arg566Ser)

Gene: KIF1B (kinesin family member 1B; plus strand). Cytogenetic location: 1p36.22.
Variant type: single nucleotide variant.
Coding change: c.1696C>A on transcript NM_001365951.3 (MANE Select); coding-DNA position 1696, C replaced by A.
Protein change: p.Arg566Ser; replaces arginine 566 with serine.
Molecular consequence: missense variant.
Genome position (GRCh38, 1-based): chr1:10,295,685, C>A. VCF-style: chr1-10295685-C-A. GRCh37 (hg19) VCF-style: chr1-10355743-C-A.
Other names: c.1696C>A, p.Arg566Ser (NM_001365952.1); c.1558C>A, p.Arg520Ser (NM_001365953.1, NM_015074.3, NM_183416.4); short protein forms R566S, R520S.
Identifiers: ClinVar variation 1775195 (VCV001775195.2), dbSNP rs985819179, ClinGen allele CA338314823.